The following is an entry in ClinVar:

NM_007153.3(ZNF208):c.1608A>G (p.Thr536=)

Gene: ZNF208 (zinc finger protein 208; minus strand). Cytogenetic location: 19p12.
Variant type: single nucleotide variant.
Coding change: c.1608A>G on transcript NM_007153.3 (MANE Select); coding-DNA position 1608, A replaced by G.
Protein change: p.Thr536=; no amino-acid change (threonine 536 retained).
Molecular consequence: synonymous variant. On other transcripts: intron variant (4).
Genome position (GRCh38, 1-based): chr19:21,973,426, T>C on the plus strand (A>G on the coding strand, the complement: ZNF208 is on the minus strand). VCF-style: chr19-21973426-T-C. GRCh37 (hg19) VCF-style: chr19-22156228-T-C.
Other names: c.226+13790A>G (NM_001329974.2); c.305+1303A>G (NM_001329971.2, NM_001329973.1); c.227-12642A>G (NM_001329972.1).
Identifiers: ClinVar variation 4084355 (VCV004084355.8).

ClinVar aggregate classification (germline): Likely benign (1 of 4 stars; one submission).

Submission:

CeGaT Center for Human Genetics Tuebingen
Classification: Likely benign. Last evaluated: 2025-08-01. Review status: criteria provided, single submitter. Criteria: CeGaT Center For Human Genetics Tuebingen Variant Classification Criteria Version 2. Collection method: clinical testing. Allele origin: germline. Affected: yes. Observed: 1 variant allele.
Comment: ZNF208: BP4, BP7